The following is an entry in ClinVar:

NM_000179.3(MSH6):c.3378A>G (p.Lys1126=)

Gene: MSH6 (mutS homolog 6; plus strand). Cytogenetic location: 2p16.3.
Variant type: single nucleotide variant.
Coding change: c.3378A>G on transcript NM_000179.3 (MANE Select); coding-DNA position 3378, A replaced by G.
Protein change: p.Lys1126=; no amino-acid change (lysine 1126 retained).
Molecular consequence: synonymous variant.
Genome position (GRCh38, 1-based): chr2:47,803,625, A>G. VCF-style: chr2-47803625-A-G. GRCh37 (hg19) VCF-style: chr2-48030764-A-G.
Other names: c.2988A>G, p.Lys996= (NM_001281492.2); c.2472A>G, p.Lys824= (NM_001281493.2, NM_001281494.2).
Identifiers: ClinVar variation 797263 (VCV000797263.15), dbSNP rs1572735910, ClinGen allele CA426122037.

ClinVar aggregate classification (germline): Benign/Likely benign. Review status: criteria provided, multiple submitters, no conflicts (2 of 4 stars). 5 submissions from 5 submitters: Benign (1); Likely benign (4). Last evaluated 2025-01-06.

Conditions:
Hereditary cancer-predisposing syndrome. Also called: Neoplastic Syndromes, Hereditary; Hereditary neoplastic syndrome; Tumor predisposition; Hereditary Cancer Syndrome. Identifiers: Orphanet 140162, MedGen C0027672, MeSH D009386, MONDO:0015356.
Hereditary nonpolyposis colorectal neoplasms. Identifiers: MedGen C0009405, MeSH D003123.
Lynch syndrome. Identifiers: Orphanet 144, MedGen C4552100, MONDO:0005835. Disease mechanism: loss of function.
Lynch syndrome 5 (LYNCH5). Also called: Colorectal cancer, hereditary nonpolyposis, type 5; Hereditary non-polyposis colorectal cancer, type 5. Identifiers: Orphanet 144, MedGen C1833477, MONDO:0013710, OMIM 614350. Disease mechanism: loss of function.

Allele frequency attached by ClinVar (database versions not stated): gnomAD exomes below 0.00001.
gnomAD v4.1: 1 of 1,614,168 alleles (0.000062%); highest among the groups gnomAD compares: Non-Finnish European, 0.000085%; no homozygotes.

Submissions (5):

Myriad Genetics, Inc.
Classification: Benign for Lynch syndrome 5. Last evaluated: 2025-01-06. Review status: criteria provided, single submitter. Criteria: Myriad Autosomal Dominant, Autosomal Recessive and X-Linked Classification Criteria (2023). Collection method: clinical testing. Allele origin: unknown.
Comment: This variant is considered benign. This variant is a silent/synonymous amino acid change and it is not expected to impact splicing.

Labcorp Genetics (formerly Invitae), Labcorp
Classification: Likely benign for Hereditary nonpolyposis colorectal neoplasms. Last evaluated: 2024-09-17. Review status: criteria provided, single submitter. Criteria: Invitae Variant Classification Sherloc (09022015). Collection method: clinical testing. Allele origin: germline.

All of Us Research Program, National Institutes of Health
Classification: Likely benign for Lynch syndrome. Last evaluated: 2023-11-20. Review status: criteria provided, single submitter. Criteria: ACMG Guidelines, 2015. Collection method: clinical testing. Allele origin: germline. Inheritance: Autosomal dominant inheritance. Observed: 2 variant alleles, 2 heterozygotes.
Comment: This study involves interpretation of variants in research participants for the purpose of population health screening. Participant phenotype was not available at the time of variant classification. Additional details can be found in publication PMID: 35346344, PMCID: PMC8962531

Color Diagnostics, LLC DBA Color Health
Classification: Likely benign for Hereditary cancer-predisposing syndrome. Last evaluated: 2019-12-04. Review status: criteria provided, single submitter. Criteria: ACMG Guidelines, 2015. Collection method: clinical testing. Allele origin: germline.

Ambry Genetics
Classification: Likely benign for Hereditary cancer-predisposing syndrome. Last evaluated: 2018-08-10. Review status: criteria provided, single submitter. Criteria: Ambry Variant Classification Scheme 2023. Collection method: clinical testing. Allele origin: germline.